The following is an entry in ClinVar:

NM_005732.4(RAD50):c.2558T>C (p.Ile853Thr)

Gene: RAD50 (RAD50 double strand break repair protein; plus strand). Cytogenetic location: 5q31.1.
Variant type: single nucleotide variant.
Coding change: c.2558T>C on transcript NM_005732.4 (MANE Select); coding-DNA position 2558, T replaced by C.
Protein change: p.Ile853Thr; replaces isoleucine 853 with threonine.
Molecular consequence: missense variant.
Genome position (GRCh38, 1-based): chr5:132,604,839, T>C. VCF-style: chr5-132604839-T-C. GRCh37 (hg19) VCF-style: chr5-131940531-T-C.
Other names: short protein forms I853T.
Identifiers: ClinVar variation 1793040 (VCV001793040.2), dbSNP rs2479668138, ClinGen allele CA360956322.
Genomic context (GRCh38, chr5:132,604,839, plus strand): 5'-TTACTGTGATAATATGTTTTTGTGTAGTTTCTAGTAAGATTGAATTGAATCGTAAGCTTA[T>C]ACAGGACCAGCAGGAACAGATTCAACATCTAAAAAGTACAACAAATGAGCTAAAATCTGA-3'
Protein context (NP_005723.2, residues 843-863): SSKIELNRKL[Ile853Thr]QDQQEQIQHL

ClinVar aggregate classification (germline): Uncertain significance (1 of 4 stars; one submission).

Conditions:
Hereditary cancer-predisposing syndrome. Also called: Tumor predisposition; Hereditary Cancer Syndrome; Neoplastic Syndromes, Hereditary; Hereditary neoplastic syndrome. Identifiers: Orphanet 140162, MedGen C0027672, MeSH D009386, MONDO:0015356.

Submission:

Ambry Genetics
Classification: Uncertain significance for Hereditary cancer-predisposing syndrome. Last evaluated: 2020-05-21. Review status: criteria provided, single submitter. Criteria: Ambry Variant Classification Scheme 2023. Collection method: clinical testing. Allele origin: germline.
Comment: The p.I853T variant (also known as c.2558T>C), located in coding exon 16 of the RAD50 gene, results from a T to C substitution at nucleotide position 2558. The isoleucine at codon 853 is replaced by threonine, an amino acid with similar properties. This amino acid position is well conserved in available vertebrate species. In addition, the in silico prediction for this alteration is inconclusive. Since supporting evidence is limited at this time, the clinical significance of this alteration remains unclear.